The following is an entry in ClinVar:

NM_001130823.3(DNMT1):c.2950C>A (p.Leu984Met)

Gene: DNMT1 (DNA methyltransferase 1; minus strand). Cytogenetic location: 19p13.2.
Variant type: single nucleotide variant.
Coding change: c.2950C>A on transcript NM_001130823.3 (MANE Select); coding-DNA position 2950, C replaced by A.
Protein change: p.Leu984Met; replaces leucine 984 with methionine.
Molecular consequence: missense variant.
Genome position (GRCh38, 1-based): chr19:10,143,932, G>T on the plus strand (C>A on the coding strand, the complement: DNMT1 is on the minus strand). VCF-style: chr19-10143932-G-T. GRCh37 (hg19) VCF-style: chr19-10254608-G-T.
Other names: c.2902C>A, p.Leu968Met (NM_001318730.2, NM_001379.4); c.2587C>A, p.Leu863Met (NM_001318731.2); c.2950C>A (NM_001130823.1); short protein forms L984M, L863M, L968M.
Identifiers: ClinVar variation 597786 (VCV000597786.14), dbSNP rs760683699, ClinGen allele CA9187889.
Genomic context (GRCh38, chr19:10,143,932, plus strand): 5'-GGGCATCCAGGTTGCTGCCTTTGATGTAGTCGGAGTATTTCCGGTAGTGCTCTGGGTACA[G>T]GTCCTCATCCACGGGCTCCTTCCGTGGGCGTTTCACGGGACTGGACAGCTTGATGCTGCA-3'
Protein context (NP_001124295.1, residues 974-994): RPRKEPVDED[Leu984Met]YPEHYRKYSD

ClinVar aggregate classification (germline): Uncertain significance. Review status: criteria provided, multiple submitters, no conflicts (2 of 4 stars). 3 submissions from 3 submitters: Uncertain significance (3). Last evaluated 2026-01-03.

Conditions:
Hereditary sensory neuropathy-deafness-dementia syndrome. Also called: Hereditary sensory neuropathy type IE; NEUROPATHY, HEREDITARY SENSORY, WITH HEARING LOSS AND DEMENTIA; Hereditary Sensory and Autonomic Neuropathy Type 1E (HSAN1E); HSN IE. Identifiers: Orphanet 456318, MedGen C3279885, MONDO:0013584, OMIM 614116.

Allele frequency attached by ClinVar (database versions not stated): ExAC 0.00001; TOPMed 0.00001; gnomAD exomes 0.00002.

Submissions (3):

Labcorp Genetics (formerly Invitae), Labcorp
Classification: Uncertain significance for Hereditary sensory neuropathy-deafness-dementia syndrome. Last evaluated: 2026-01-03. Review status: criteria provided, single submitter. Criteria: Invitae Variant Classification Sherloc (09022015). Collection method: clinical testing. Allele origin: germline.
Comment: This sequence change replaces leucine, which is neutral and non-polar, with methionine, which is neutral and non-polar, at codon 984 of the DNMT1 protein (p.Leu984Met). This variant is present in population databases (rs760683699, gnomAD 0.01%). This variant has not been reported in the literature in individuals affected with DNMT1-related conditions. ClinVar contains an entry for this variant (Variation ID: 597786). Invitae Evidence Modeling of protein sequence and biophysical properties (such as structural, functional, and spatial information, amino acid conservation, physicochemical variation, residue mobility, and thermodynamic stability) indicates that this missense variant is not expected to disrupt DNMT1 protein function with a negative predictive value of 80%. In summary, the available evidence is currently insufficient to determine the role of this variant in disease. Therefore, it has been classified as a Variant of Uncertain Significance.

GeneDx
Classification: Uncertain significance. Last evaluated: 2023-01-23. Review status: criteria provided, single submitter. Criteria: GeneDx Variant Classification Process June 2021. Collection method: clinical testing. Allele origin: germline. Affected: yes.
Comment: In silico analysis supports that this missense variant does not alter protein structure/function; Has not been previously published as pathogenic or benign to our knowledge

Eurofins Ntd Llc (ga)
Classification: Uncertain significance. Last evaluated: 2018-07-11. Review status: criteria provided, single submitter. Criteria: EGL ClinVar v180209 classification definitions. Collection method: clinical testing. Allele origin: germline. Observed: 1 variant allele, 1 heterozygote.